The following is an entry in ClinVar:

ClinVar aggregate classification (germline): Uncertain significance. Review status: criteria provided, multiple submitters, no conflicts (2 of 4 stars). 2 submissions from 2 submitters: Uncertain significance (2). Last evaluated 2025-08-13.

Conditions:
Neurofibromatosis, type 1 (NF1). Also called: VON RECKLINGHAUSEN DISEASE; Peripheral type neurofibromatosis; NEUROFIBROMATOSIS, TYPE I, SOMATIC; Neurofibromatosis, type I. Identifiers: Orphanet 636, MedGen C0027831, MONDO:0018975, OMIM 162200. Disease mechanism: loss of function.

gnomAD v4.1: 1 of 1,613,714 alleles (0.000062%); highest among the groups gnomAD compares: Admixed American, 0.0017%; no homozygotes.

Submissions (2):

Quest Diagnostics Nichols Institute San Juan Capistrano
Classification: Uncertain significance. Last evaluated: 2025-08-13. Review status: criteria provided, single submitter. Criteria: Quest Diagnostics criteria. Collection method: clinical testing. Allele origin: unknown.

Labcorp Genetics (formerly Invitae), Labcorp
Classification: Uncertain significance for Neurofibromatosis, type 1. Last evaluated: 2024-11-13. Review status: criteria provided, single submitter. Criteria: Invitae Variant Classification Sherloc (09022015). Collection method: clinical testing. Allele origin: germline.
Comment: This sequence change replaces proline, which is neutral and non-polar, with serine, which is neutral and polar, at codon 2046 of the NF1 protein (p.Pro2046Ser). This variant is present in population databases (no rsID available, gnomAD 0.003%). This variant has not been reported in the literature in individuals affected with NF1-related conditions. Invitae Evidence Modeling of protein sequence and biophysical properties (such as structural, functional, and spatial information, amino acid conservation, physicochemical variation, residue mobility, and thermodynamic stability) has been performed for this missense variant. However, the output from this modeling did not meet the statistical confidence thresholds required to predict the impact of this variant on NF1 protein function. In summary, the available evidence is currently insufficient to determine the role of this variant in disease. Therefore, it has been classified as a Variant of Uncertain Significance.

NM_001042492.3(NF1):c.6199C>T (p.Pro2067Ser)

Gene: NF1 (neurofibromin 1; plus strand). Cytogenetic location: 17q11.2.
Variant type: single nucleotide variant.
Coding change: c.6199C>T on transcript NM_001042492.3 (MANE Select); coding-DNA position 6199, C replaced by T.
Protein change: p.Pro2067Ser; replaces proline 2067 with serine.
Molecular consequence: missense variant.
Genome position (GRCh38, 1-based): chr17:31,336,686, C>T. VCF-style: chr17-31336686-C-T. GRCh37 (hg19) VCF-style: chr17-29663704-C-T.
Other names: c.6136C>T, p.Pro2046Ser (NM_000267.4); short protein forms P2067S, P2046S.
Identifiers: ClinVar variation 3634584 (VCV003634584.3).
Genomic context (GRCh38, chr17:31,336,686, plus strand): 5'-TCTTTACAGGTTATTGGAAGGATGTGCAAAATAATTGACAAGACATGCTTATCTCCAACT[C>T]CTACTTTAGAACAACATCTTATGTGGGATGATATTGCTATTTTAGCACGCTACATGCTGA-3'
Protein context (NP_001035957.1, residues 2057-2077): IIDKTCLSPT[Pro2067Ser]TLEQHLMWDD